The following is an entry in ClinVar:

ClinVar aggregate classification (germline): Uncertain significance (1 of 4 stars; one submission).

Allele frequency attached by ClinVar (database versions not stated): ExAC 0.00001; gnomAD 0.00001; gnomAD exomes 0.00001; TOPMed 0.00001.
gnomAD v4.1: 4 of 1,610,132 alleles (0.00025%); highest among the groups gnomAD compares: Non-Finnish European, 0.00034%; no homozygotes.

Submission:

Labcorp Genetics (formerly Invitae), Labcorp
Classification: Uncertain significance. Last evaluated: 2022-01-11. Review status: criteria provided, single submitter. Criteria: Invitae Variant Classification Sherloc (09022015). Collection method: clinical testing. Allele origin: germline.
Comment: This sequence change falls in intron 31 of the RTTN gene. It does not directly change the encoded amino acid sequence of the RTTN protein. It affects a nucleotide within the consensus splice site. This variant is not present in population databases (gnomAD no frequency). This variant has not been reported in the literature in individuals affected with RTTN-related conditions. Variants that disrupt the consensus splice site are a relatively common cause of aberrant splicing (PMID: 17576681, 9536098). Algorithms developed to predict the effect of sequence changes on RNA splicing suggest that this variant may disrupt the consensus splice site. In summary, the available evidence is currently insufficient to determine the role of this variant in disease. Therefore, it has been classified as a Variant of Uncertain Significance.

Literature cited by the submitters: PubMed 17576681; PubMed 9536098.

NM_173630.4(RTTN):c.4302+3A>G

Gene: RTTN (rotatin; minus strand). Cytogenetic location: 18q22.2.
Variant type: single nucleotide variant.
Coding change: c.4302+3A>G on transcript NM_173630.4 (MANE Select); 3 bases into the intron after coding-DNA position 4302, A replaced by G.
Molecular consequence: intron variant.
Genome position (GRCh38, 1-based): chr18:70,087,986, T>C on the plus strand (A>G on the coding strand, the complement: RTTN is on the minus strand). VCF-style: chr18-70087986-T-C. GRCh37 (hg19) VCF-style: chr18-67755222-T-C.
Other names: c.1566+3A>G (NM_001318520.2).
Identifiers: ClinVar variation 2420085 (VCV002420085.5), dbSNP rs780166426, ClinGen allele CA8995329.